The following is an entry in ClinVar:

ClinVar aggregate classification (germline): Uncertain significance. Review status: criteria provided, multiple submitters, no conflicts (2 of 4 stars). 3 submissions from 3 submitters: Uncertain significance (2). 1 of the submissions does not count toward it. Last evaluated 2025-02-08.

Conditions:
Usher syndrome type 1F (USH1F). Also called: USHER SYNDROME, TYPE IF. Identifiers: Orphanet 231169, Orphanet 886, MedGen C1865885, MONDO:0011186, OMIM 602083.
Inborn genetic diseases. Identifiers: MedGen C0950123, MeSH D030342.

Allele frequency attached by ClinVar (database versions not stated): gnomAD exomes below 0.00001; TOPMed below 0.00001.
gnomAD v4.1: 6 of 1,613,558 alleles (0.00037%); highest among the groups gnomAD compares: East Asian, 0.0045%; no homozygotes.

Submissions (3):

Ambry Genetics
Classification: Uncertain significance for Inborn genetic diseases. Last evaluated: 2025-02-08. Review status: criteria provided, single submitter. Criteria: Ambry Variant Classification Scheme 2023. Collection method: clinical testing. Allele origin: germline.

Labcorp Genetics (formerly Invitae), Labcorp
Classification: Uncertain significance. Last evaluated: 2022-08-22. Review status: criteria provided, single submitter. Criteria: Invitae Variant Classification Sherloc (09022015). Collection method: clinical testing. Allele origin: germline.
Comment: This sequence change replaces leucine, which is neutral and non-polar, with phenylalanine, which is neutral and non-polar, at codon 1271 of the PCDH15 protein (p.Leu1271Phe). This variant is not present in population databases (gnomAD no frequency). This variant has not been reported in the literature in individuals affected with PCDH15-related conditions. ClinVar contains an entry for this variant (Variation ID: 990224). Algorithms developed to predict the effect of missense changes on protein structure and function are either unavailable or do not agree on the potential impact of this missense change (SIFT: "Deleterious"; PolyPhen-2: "Probably Damaging"; Align-GVGD: "Class C0"). In summary, the available evidence is currently insufficient to determine the role of this variant in disease. Therefore, it has been classified as a Variant of Uncertain Significance.

Natera, Inc.
Classification: Uncertain significance for Usher syndrome type 1F. Last evaluated: 2020-04-16. Review status: no assertion criteria provided. Collection method: clinical testing. Allele origin: germline. Not counted in ClinVar's aggregate classification.

NM_001384140.1(PCDH15):c.3813G>C (p.Leu1271Phe)

Gene: PCDH15 (protocadherin related 15; minus strand). Cytogenetic location: 10q21.1.
Variant type: single nucleotide variant.
Coding change: c.3813G>C on transcript NM_001384140.1 (MANE Select); coding-DNA position 3813, G replaced by C.
Protein change: p.Leu1271Phe; replaces leucine 1271 with phenylalanine.
Molecular consequence: missense variant.
Genome position (GRCh38, 1-based): chr10:53,840,490, C>G on the plus strand (G>C on the coding strand, the complement: PCDH15 is on the minus strand). VCF-style: chr10-53840490-C-G. GRCh37 (hg19) VCF-style: chr10-55600250-C-G.
Other names: c.3813G>C (NM_033056.3); c.3828G>C, p.Leu1276Phe (NM_001142763.2, NM_001142771.2); c.3813G>C, p.Leu1271Phe (NM_001142764.2, NM_001142766.2, NM_001142770.3 and 4 more transcripts); c.3600G>C, p.Leu1200Phe (NM_001142765.2); c.3702G>C, p.Leu1234Phe (NM_001142767.2); c.3747G>C, p.Leu1249Phe (NM_001142768.2, NM_001142773.2, NM_001354404.2); c.3849G>C, p.Leu1283Phe (NM_001142769.4); c.3834G>C, p.Leu1278Phe (NM_001354411.2); short protein forms L1200F, L1234F, L1249F, L1271F, L1276F, L1278F, L1283F.
Identifiers: ClinVar variation 990224 (VCV000990224.4), dbSNP rs937214642, ClinGen allele CA207233808.